The following is an entry in ClinVar:

NM_001365536.1(SCN9A):c.1227C>A (p.Asn409Lys)

Genes: SCN1A-AS1 (SCN1A and SCN9A antisense RNA 1; plus strand), SCN9A (sodium voltage-gated channel alpha subunit 9; minus strand). Cytogenetic location: 2q24.3.
Variant type: single nucleotide variant.
Coding change: c.1227C>A on transcript NM_001365536.1 (MANE Select); coding-DNA position 1227, C replaced by A.
Protein change: p.Asn409Lys; replaces asparagine 409 with lysine.
Molecular consequence: missense variant.
Genome position (GRCh38, 1-based): chr2:166,288,524, G>T on the plus strand (C>A on the coding strand, the complement: SCN9A is on the minus strand). VCF-style: chr2-166288524-G-T. GRCh37 (hg19) VCF-style: chr2-167145034-G-T.
Other names: c.1227C>A, p.Asn409Lys (NM_002977.4); short protein forms N409K.
Identifiers: ClinVar variation 1425306 (VCV001425306.8), dbSNP rs2106492730, ClinGen allele CA349085839.

ClinVar aggregate classification (germline): Uncertain significance (1 of 4 stars; one submission).

Conditions:
Generalized epilepsy with febrile seizures plus, type 7 (GEFSP7). Also called: GEFS+, TYPE 7. Identifiers: Orphanet 36387, MedGen C2751778, MONDO:0013470, OMIM 613863.
Neuropathy, hereditary sensory and autonomic, type 2A (HSAN2A). Also called: ACROOSTEOLYSIS, GIACCAI TYPE; ACROOSTEOLYSIS, NEUROGENIC; HSAN IIA; WNK1-Related HSAN2 (HSAN2A); NEUROPATHY, CONGENITAL SENSORY; NEUROPATHY, HEREDITARY SENSORY RADICULAR, AUTOSOMAL RECESSIVE. Identifiers: Orphanet 970, MedGen C2752089, MONDO:0024309, OMIM 201300.

Submission:

Labcorp Genetics (formerly Invitae), Labcorp
Classification: Uncertain significance for Neuropathy, hereditary sensory and autonomic, type 2A; Generalized epilepsy with febrile seizures plus, type 7. Last evaluated: 2021-04-11. Review status: criteria provided, single submitter. Criteria: Invitae Variant Classification Sherloc (09022015). Collection method: clinical testing. Allele origin: germline.
Comment: In summary, the available evidence is currently insufficient to determine the role of this variant in disease. Therefore, it has been classified as a Variant of Uncertain Significance. Algorithms developed to predict the effect of missense changes on protein structure and function are either unavailable or do not agree on the potential impact of this missense change (SIFT: "Tolerated"; PolyPhen-2: "Probably Damaging"; Align-GVGD: "Class C0"). This variant has not been reported in the literature in individuals with SCN9A-related conditions. This variant is not present in population databases (ExAC no frequency). This sequence change replaces asparagine with lysine at codon 409 of the SCN9A protein (p.Asn409Lys). The asparagine residue is highly conserved and there is a moderate physicochemical difference between asparagine and lysine.